The following is an entry in ClinVar:

ClinVar aggregate classification (germline): Conflicting classifications of pathogenicity. Review status: criteria provided, conflicting classifications (1 of 4 stars). 17 submissions from 17 submitters: Uncertain significance (6); Likely benign (9). 2 of the submissions do not count toward it. Last evaluated 2026-02-04.

Conditions:
APC-related disorder. Also called: APC-related condition.
APC-Associated Polyposis Disorders.
Hereditary cancer-predisposing syndrome. Also called: Neoplastic Syndromes, Hereditary; Tumor predisposition; Hereditary Cancer Syndrome; Hereditary neoplastic syndrome. Identifiers: Orphanet 140162, MedGen C0027672, MeSH D009386, MONDO:0015356.
Familial adenomatous polyposis 1 (FAP1). Also called: FAMILIAL ADENOMATOUS POLYPOSIS 1, ATTENUATED; POLYPOSIS, ADENOMATOUS INTESTINAL. Identifiers: MedGen C2713442, MONDO:0021056, OMIM 175100. Disease mechanism: loss of function.

Allele frequency attached by ClinVar (database versions not stated): gnomAD 0.00006; ESP Exome Variant Server 0.00015; TOPMed 0.00015; 1000 Genomes Project 30x 0.00016; gnomAD exomes 0.00018; 1000 Genomes Project 0.00020; ExAC 0.00020.
gnomAD v4.1: 431 of 1,614,138 alleles (0.027%); highest among the groups gnomAD compares: Non-Finnish European, 0.034%; 1 homozygote.

Submissions (17):

Labcorp Genetics (formerly Invitae), Labcorp
Classification: Likely benign for Familial adenomatous polyposis 1. Last evaluated: 2026-02-04. Review status: criteria provided, single submitter. Criteria: Invitae Variant Classification Sherloc (09022015). Collection method: clinical testing. Allele origin: germline.

Women's Health and Genetics/Laboratory Corporation of America, LabCorp
Classification: Likely benign. Last evaluated: 2025-10-03. Review status: criteria provided, single submitter. Criteria: LabCorp Variant Classification Summary - May 2015. Collection method: clinical testing. Allele origin: germline.
Comment: Variant summary: APC c.5140G>A (p.Asp1714Asn) results in a conservative amino acid change in the encoded protein sequence. Algorithms developed to predict the effect of missense changes on protein structure and function are either unavailable or do not agree on the potential impact of this missense change. The variant allele was found at a frequency of 0.00018 in 250168 control chromosomes, predominantly at a frequency of 0.00035 within the Non-Finnish European subpopulation in the gnomAD database. The observed variant frequency within Non-Finnish European control individuals in the gnomAD database exceeds the estimated maximal expected allele frequency for disease-causing variants in APC. c.5140G>A has been reported in the literature in individuals affected with Familial Adenomatous Polyposis (e.g. Azzopardi_2008, Out_2015, Rohlin_2017) but has also been reported in patients with other phenotypes, including breast cancer and medulloblastoma (e.g. Tung_2015, Zhang_2015). These reports do not provide unequivocal conclusions about association of the variant with Familial Adenomatous Polyposis. Experimental evidence evaluating an impact on protein function, demonstrated the variant alters beta-catenin-regulated transcription (CRT) in vitro (e.g. Azzopardi_2008). However, no definitive conclusions can be drawn about the clinical relevance of this finding. The following publications have been ascertained in the context of this evaluation (PMID: 25637381, 18199528, 27153395, 21859464, 25604157, 33436027, 28502729, 27696107, 25710373, 25186627, 33773808, 26580448). ClinVar contains an entry for this variant (Variation ID: 135706). Based on the evidence outlined above, the variant was classified as likely benign.

PreventionGenetics, part of Exact Sciences
Classification: Likely benign for APC-related condition. Last evaluated: 2025-07-18. Review status: criteria provided, single submitter. Criteria: ACMG Guidelines, 2015. Collection method: clinical testing. Allele origin: germline.
Comment: This variant is classified as likely benign based on ACMG/AMP sequence variant interpretation guidelines (Richards et al. 2015 PMID: 25741868, with internal and published modifications).

Quest Diagnostics Nichols Institute San Juan Capistrano
Classification: Likely benign. Last evaluated: 2025-05-22. Review status: criteria provided, single submitter. Criteria: Quest Diagnostics criteria. Collection method: clinical testing. Allele origin: unknown.

Center for Genomic Medicine, Rigshospitalet, Copenhagen University Hospital
Classification: Likely benign. Last evaluated: 2025-03-04. Review status: criteria provided, single submitter. Criteria: ACMG Guidelines, 2015. Collection method: clinical testing. Allele origin: germline.

Myriad Genetics, Inc.
Classification: Likely benign for Familial adenomatous polyposis 1. Last evaluated: 2025-01-27. Review status: criteria provided, single submitter. Criteria: Myriad Autosomal Dominant, Autosomal Recessive and X-Linked Classification Criteria (2023). Collection method: clinical testing. Allele origin: unknown.
Comment: This variant is considered likely benign. This variant has been observed at a population frequency that is significantly greater than expected given the associated disease prevalence and penetrance.

Color Diagnostics, LLC DBA Color Health
Classification: Likely benign for Hereditary cancer-predisposing syndrome. Last evaluated: 2024-09-18. Review status: criteria provided, single submitter. Criteria: ACMG Guidelines, 2015. Collection method: clinical testing. Allele origin: germline.

Mayo Clinic Laboratories, Mayo Clinic
Classification: Uncertain significance. Last evaluated: 2023-09-12. Review status: criteria provided, single submitter. Criteria: ACMG Guidelines, 2015. Collection method: clinical testing. Allele origin: germline. Observed: 8 variant alleles.
Comment: BS1, BP1, PS3

Sema4
Classification: Uncertain significance for Hereditary cancer-predisposing syndrome. Last evaluated: 2021-11-15. Review status: criteria provided, single submitter. Criteria: Sema4 Curation Guidelines. Collection method: curation. Allele origin: germline.
Comment: The APC c.5140G>A (p.D1714N) variant has been reported in heterozygosity in at least four individuals with colorectal adenomas, generally between 1-100 polyps (PMID: 18199528, 25604157, 27696107, 33436027), and two individuals with colorectal cancer (PMID: 27696107, 28502729). It has also been reported in individuals with breast cancer (PMID: 25186627, 27153395), medulloblastoma (PMID: 26580448), and healthy or control individuals (PMID: 25637381, 26332594). It was observed in 41/128252 chromosomes of the Non-Finnish European subpopulation, with no homozygotes, in the large and broad cohorts of the Genome Aggregation Database (PMID: 32461654). The variant has been reported in ClinVar (Variation ID 135706). Functional studies have not been performed, and in silico predictions of the variant's effect on protein function are inconclusive. The evidence is insufficient to meet ACMG/AMP criteria for classifying the variant as benign or pathogenic. Thus, the clinical significance of this variant is currently uncertain.

Institute for Clinical Genetics, University Hospital TU Dresden, University Hospital TU Dresden
Classification: Uncertain significance. Last evaluated: 2021-11-03. Review status: criteria provided, single submitter. Criteria: ACMG Guidelines, 2015. Collection method: clinical testing. Allele origin: germline.

Genetic Services Laboratory, University of Chicago
Classification: Uncertain significance. Last evaluated: 2019-11-22. Review status: criteria provided, single submitter. Criteria: ACMG Guidelines, 2015. Collection method: clinical testing. Allele origin: germline. Affected: no.

Ambry Genetics
Classification: Likely benign for Hereditary cancer-predisposing syndrome. Last evaluated: 2018-07-26. Review status: criteria provided, single submitter. Criteria: Ambry Variant Classification Scheme 2023. Collection method: clinical testing. Allele origin: germline.

Mendelics
Classification: Uncertain significance for Familial adenomatous polyposis 1. Last evaluated: 2018-07-02. Review status: criteria provided, single submitter. Criteria: Mendelics Assertion Criteria 2017. Collection method: clinical testing. Allele origin: unknown.

GeneDx
Classification: Likely benign. Last evaluated: 2017-11-22. Review status: criteria provided, single submitter. Criteria: GeneDx Variant Classification (06012015). Collection method: clinical testing. Allele origin: germline. Affected: yes.
Comment: This variant is considered likely benign or benign based on one or more of the following criteria: it is a conservative change, it occurs at a poorly conserved position in the protein, it is predicted to be benign by multiple in silico algorithms, and/or has population frequency not consistent with disease.

Illumina Laboratory Services, Illumina
Classification: Uncertain significance for APC-Associated Polyposis Disorders. Last evaluated: 2017-04-27. Review status: criteria provided, single submitter. Criteria: ICSL Variant Classification Criteria 13 December 2019. Collection method: clinical testing. Allele origin: germline.
Comment: This variant was observed as part of a predisposition screen in an ostensibly healthy population. A literature search was performed for the gene, cDNA change, and amino acid change (where applicable). Publications were found based on this search. However, the evidence from the literature, in combination with allele frequency data from public databases where available, was not sufficient to rule this variant in or out of causing disease. Therefore, this variant is classified as a variant of unknown significance.

CSER _CC_NCGL, University of Washington
Classification: Uncertain significance for Adenomatous polyposis coli. Last evaluated: 2014-06-01. Review status: no assertion criteria provided. Collection method: research. Allele origin: germline. Inheritance: Autosomal dominant inheritance. Study: ESP 6500 variant annotation. Not counted in ClinVar's aggregate classification.
Comment: Variants classified for the Actionable exomic incidental findings in 6503 participants: challenges of variant classification manuscript

Department of Pathology and Laboratory Medicine, Sinai Health System
Classification: Likely benign. Review status: no assertion criteria provided. Collection method: clinical testing. Allele origin: unknown. Affected: yes. Study: The Canadian Open Genetics Repository (COGR). Not counted in ClinVar's aggregate classification.
Comment: The APC p.Asp1714Asn variant was identified in 2 of 1564 proband chromosomes (frequency: 0.001) from individuals or families with colorectal cancer or adenomatous polyposis and was present in 1 of 1938 control chromosomes (frequency: 0.001) from healthy individuals (Azzopardi 2008, Rohlin 2017). The variant was also identified in dbSNP (ID: rs148275069) as "With Uncertain significance, other alleleâ€šÃ„Ã¹, ClinVar (classified as likely benign by GeneDx, Ambry Genetics and Integrated Genetics/Laboratory Corporation of America; and as uncertain significance by five submitters), and in LOVD 3.0. The variant was identified in control databases in 46 of 276088 chromosomes at a frequency of 0.0002, increasing the likelihood this could be a low frequency benign variant (Genome Aggregation Database Feb 27, 2017). The variant was observed in the following populations: African in 2 of 23960 chromosomes (freq: 0.00008), Other in 2 of 6444 chromosomes (freq: 0.0003), European in 40 of 125810 chromosomes (freq: 0.0003), and Finnish in 2 of 25786 chromosomes (freq: 0.00008), while the variant was not observed in the Latino, Ashkenazi Jewish, East Asian, or South Asian populations. The p.Asp1714 residue is conserved in mammals and computational analyses (PolyPhen-2, SIFT, AlignGVGD, BLOSUM, MutationTaster) provide inconsistent predictions regarding the impact of the Asn variant to the protein; this information is not very predictive of pathogenicity. The variant occurs outside of the splicing consensus sequence and in silico or computational prediction software programs (SpliceSiteFinder, MaxEntScan, NNSPLICE, GeneSplicer) do not predict a difference in splicing. In summary, based on the above information, the clinical significance of this variant cannot be determined with certainty at this time although we would lean towards a more benign role for this variant. This variant is classified as likely benign.

Literature cited by the submitters: PubMed 21859464 (cited by 4 submitters); PubMed 18199528 (cited by 5 submitters); PubMed 25637381 (cited by 4 submitters); PubMed 25186627 (cited by 3 submitters); PubMed 25710373 (cited by Women's Health and Genetics/Laboratory Corporation of America, LabCorp and Quest Diagnostics Nichols Institute San Juan Capistrano); PubMed 27696107 (cited by 3 submitters); PubMed 27153395 (cited by 3 submitters); PubMed 25604157 (cited by 4 submitters); PubMed 26580448 (cited by 3 submitters); PubMed 28502729 (cited by 3 submitters); PubMed 33436027 (cited by 3 submitters); PubMed 33773808 (cited by Women's Health and Genetics/Laboratory Corporation of America, LabCorp and Quest Diagnostics Nichols Institute San Juan Capistrano); PubMed 15122587 (cited by Quest Diagnostics Nichols Institute San Juan Capistrano and Illumina Laboratory Services, Illumina); PubMed 26332594 (cited by 3 submitters); PubMed 35430768 (cited by Quest Diagnostics Nichols Institute San Juan Capistrano).

NM_000038.6(APC):c.5140G>A (p.Asp1714Asn)

Gene: APC (APC regulator of Wnt signaling pathway; plus strand). Cytogenetic location: 5q22.2.
Variant type: single nucleotide variant.
Coding change: c.5140G>A on transcript NM_000038.6 (MANE Select); coding-DNA position 5140, G replaced by A.
Protein change: p.Asp1714Asn; replaces aspartic acid 1714 with asparagine.
Molecular consequence: missense variant.
Genome position (GRCh38, 1-based): chr5:112,840,734, G>A. VCF-style: chr5-112840734-G-A. GRCh37 (hg19) VCF-style: chr5-112176431-G-A.
Other names: c.5140G>A, p.Asp1714Asn (NM_001127510.3, NM_001354895.2); c.5086G>A, p.Asp1696Asn (NM_001127511.3); c.5194G>A, p.Asp1732Asn (NM_001354896.2); c.5170G>A, p.Asp1724Asn (NM_001354897.2); c.5065G>A, p.Asp1689Asn (NM_001354898.2); c.5056G>A, p.Asp1686Asn (NM_001354899.2); c.5017G>A, p.Asp1673Asn (NM_001354900.2); c.4963G>A, p.Asp1655Asn (NM_001354901.2); and 5 more; short protein forms D1714N, D1696N, D1613N, D1686N, D1431N, D1623N, D1689N, D1724N.
Identifiers: ClinVar variation 135706 (VCV000135706.91), dbSNP rs148275069, ClinGen allele CA009886.